The following is an entry in ClinVar:

NM_000302.4(PLOD1):c.1133A>T (p.Tyr378Phe)

Gene: PLOD1 (procollagen-lysine,2-oxoglutarate 5-dioxygenase 1; plus strand). Cytogenetic location: 1p36.22.
Variant type: single nucleotide variant.
Coding change: c.1133A>T on transcript NM_000302.4 (MANE Select); coding-DNA position 1133, A replaced by T.
Protein change: p.Tyr378Phe; replaces tyrosine 378 with phenylalanine.
Molecular consequence: missense variant.
Genome position (GRCh38, 1-based): chr1:11,963,567, A>T. VCF-style: chr1-11963567-A-T. GRCh37 (hg19) VCF-style: chr1-12023624-A-T.
Other names: c.1274A>T, p.Tyr425Phe (NM_001316320.2); short protein forms Y425F, Y378F.
Identifiers: ClinVar variation 876242 (VCV000876242.13), dbSNP rs749210400, ClinGen allele CA338439872.
Genomic context (GRCh38, chr1:11,963,567, plus strand): 5'-TGACCCTGTGTCCTCCTCCTTGCAGAGACCTGTGCCGGCAGGACCGCAGCTGCACCTACT[A>T]CTTCAGCGTGGATGCTGACGTGGCCCTGACCGAGCCCAACAGCCTGCGGCTGCTGATCCA-3'
Protein context (NP_000293.2, residues 368-388): LCRQDRSCTY[Tyr378Phe]FSVDADVALT

ClinVar aggregate classification (germline): Uncertain significance. Review status: criteria provided, multiple submitters, no conflicts (2 of 4 stars). 2 submissions from 2 submitters: Uncertain significance (2). Last evaluated 2022-12-06.

Conditions:
Ehlers-Danlos syndrome, kyphoscoliotic type 1 (EDSKSCL1). Also called: EHLERS-DANLOS SYNDROME, TYPE VIA; Ehlers-Danlos syndrome, hydroxylysine-deficient; EHLERS-DANLOS SYNDROME, OCULAR-SCOLIOTIC TYPE; PLOD1-Related Kyphoscoliotic Ehlers-Danlos Syndrome. Identifiers: Orphanet 1900, MedGen C0268342, MONDO:0016002, OMIM 225400. Disease mechanism: loss of function.

gnomAD v4.1: 2 of 1,604,396 alleles (0.00012%); highest among the groups gnomAD compares: East Asian, 0.0022%; no homozygotes.

Submissions (2):

Labcorp Genetics (formerly Invitae), Labcorp
Classification: Uncertain significance for Ehlers-Danlos syndrome, kyphoscoliotic type 1. Last evaluated: 2022-12-06. Review status: criteria provided, single submitter. Criteria: Invitae Variant Classification Sherloc (09022015). Collection method: clinical testing. Allele origin: germline.
Comment: In summary, the available evidence is currently insufficient to determine the role of this variant in disease. Therefore, it has been classified as a Variant of Uncertain Significance. Advanced modeling of protein sequence and biophysical properties (such as structural, functional, and spatial information, amino acid conservation, physicochemical variation, residue mobility, and thermodynamic stability) performed at Invitae indicates that this missense variant is not expected to disrupt PLOD1 protein function. ClinVar contains an entry for this variant (Variation ID: 876242). This variant has not been reported in the literature in individuals affected with PLOD1-related conditions. This variant is not present in population databases (gnomAD no frequency). This sequence change replaces tyrosine, which is neutral and polar, with phenylalanine, which is neutral and non-polar, at codon 378 of the PLOD1 protein (p.Tyr378Phe).

Illumina Laboratory Services, Illumina
Classification: Uncertain significance for Ehlers-Danlos syndrome, kyphoscoliotic type 1. Last evaluated: 2018-01-13. Review status: criteria provided, single submitter. Criteria: ICSL Variant Classification Criteria 13 December 2019. Collection method: clinical testing. Allele origin: germline.